The following is an entry in ClinVar:

ClinVar aggregate classification (germline): Pathogenic (1 of 4 stars; one submission).

Conditions:
Cornelia de Lange syndrome 1 (CDLS1). Also called: TYPUS DEGENERATIVUS AMSTELODAMENSIS; NIPBL-Related Cornelia de Lange Syndrome; Brachmann de Lange syndrome. Identifiers: Orphanet 199, MedGen C4551851, MONDO:0007387, OMIM 122470.

Submission:

Labcorp Genetics (formerly Invitae), Labcorp
Classification: Pathogenic for Cornelia de Lange syndrome 1. Last evaluated: 2025-02-09. Review status: criteria provided, single submitter. Criteria: Invitae Variant Classification Sherloc (09022015). Collection method: clinical testing. Allele origin: germline.
Comment: This sequence change creates a premature translational stop signal (p.Gln886Lysfs*43) in the NIPBL gene. It is expected to result in an absent or disrupted protein product. Loss-of-function variants in NIPBL are known to be pathogenic (PMID: 15318302, 19763162, 23505322, 29995837). This variant is not present in population databases (gnomAD no frequency). This variant has not been reported in the literature in individuals affected with NIPBL-related conditions. For these reasons, this variant has been classified as Pathogenic.

Literature cited by the submitters: PubMed 15318302; PubMed 19763162; PubMed 23505322; PubMed 29995837.

NM_133433.4(NIPBL):c.2656del (p.Gln886fs)

Gene: NIPBL (NIPBL cohesin loading factor; plus strand). Cytogenetic location: 5p13.2.
Variant type: Deletion.
Coding change: c.2656del on transcript NM_133433.4 (MANE Select); coding-DNA position 2656, one base deleted (C; older notation c.2656delC).
Protein change: p.Gln886fs; shifts the reading frame from glutamine 886.
Molecular consequence: frameshift variant.
Genome position (GRCh38, 1-based): chr5:36,985,836, C deleted. VCF-style (leftmost placement, unchanged base first): chr5-36985835-AC-A. GRCh37 (hg19) VCF-style: chr5-36985937-AC-A.
Other names: c.2656del, p.Gln886fs (NM_001438586.1, NM_015384.5); short protein forms Q886fs.
Identifiers: ClinVar variation 4712678 (VCV004712678.1).